The following is an entry in ClinVar:

ClinVar aggregate classification (germline): Uncertain significance (1 of 4 stars; one submission).

Submission:

Labcorp Genetics (formerly Invitae), Labcorp
Classification: Uncertain significance. Last evaluated: 2023-11-13. Review status: criteria provided, single submitter. Criteria: Invitae Variant Classification Sherloc (09022015). Collection method: clinical testing. Allele origin: germline.
Comment: This sequence change replaces serine, which is neutral and polar, with tyrosine, which is neutral and polar, at codon 370 of the ARID1B protein (p.Ser370Tyr). The frequency data for this variant in the population databases is considered unreliable, as metrics indicate insufficient coverage at this position in the gnomAD database. This variant has not been reported in the literature in individuals affected with ARID1B-related conditions. ClinVar contains an entry for this variant (Variation ID: 2174573). An algorithm developed to predict the effect of missense changes on protein structure and function (PolyPhen-2) suggests that this variant is likely to be disruptive. In summary, the available evidence is currently insufficient to determine the role of this variant in disease. Therefore, it has been classified as a Variant of Uncertain Significance.

NM_001374828.1(ARID1B):c.1358C>A (p.Ser453Tyr)

Gene: ARID1B (AT-rich interaction domain 1B; plus strand). Cytogenetic location: 6q25.3.
Variant type: single nucleotide variant.
Coding change: c.1358C>A on transcript NM_001374828.1 (MANE Select); coding-DNA position 1358, C replaced by A.
Protein change: p.Ser453Tyr; replaces serine 453 with tyrosine.
Molecular consequence: missense variant.
Genome position (GRCh38, 1-based): chr6:156,779,038, C>A. VCF-style: chr6-156779038-C-A. GRCh37 (hg19) VCF-style: chr6-157100172-C-A.
Other names: c.1109C>A, p.Ser370Tyr (NM_001346813.1, NM_020732.3); c.1358C>A, p.Ser453Tyr (NM_001371656.1, NM_001374820.1, NM_017519.3); c.935C>A, p.Ser312Tyr (NM_175863.2); short protein forms S453Y, S312Y, S370Y.
Identifiers: ClinVar variation 2174573 (VCV002174573.4), dbSNP rs1778961772, ClinGen allele CA366384104.